The following is an entry in ClinVar:

ClinVar aggregate classification (germline): Uncertain significance (1 of 4 stars; one submission).

Allele frequency attached by ClinVar (database versions not stated): gnomAD exomes below 0.00001; TOPMed 0.00002; gnomAD 0.00003.
gnomAD v4.1: 6 of 1,614,072 alleles (0.00037%); highest among the groups gnomAD compares: African/African-American, 0.008%; no homozygotes.

Submission:

Labcorp Genetics (formerly Invitae), Labcorp
Classification: Uncertain significance. Last evaluated: 2022-10-25. Review status: criteria provided, single submitter. Criteria: Invitae Variant Classification Sherloc (09022015). Collection method: clinical testing. Allele origin: germline.
Comment: This sequence change replaces threonine, which is neutral and polar, with isoleucine, which is neutral and non-polar, at codon 1567 of the POLR1A protein (p.Thr1567Ile). This variant is present in population databases (no rsID available, gnomAD 0.02%). This variant has not been reported in the literature in individuals affected with POLR1A-related conditions. Algorithms developed to predict the effect of missense changes on protein structure and function are either unavailable or do not agree on the potential impact of this missense change (SIFT: "Not Available"; PolyPhen-2: "Benign"; Align-GVGD: "Not Available"). In summary, the available evidence is currently insufficient to determine the role of this variant in disease. Therefore, it has been classified as a Variant of Uncertain Significance.

NM_015425.6(POLR1A):c.4700C>T (p.Thr1567Ile)

Gene: POLR1A (RNA polymerase I subunit A; minus strand). Cytogenetic location: 2p11.2.
Variant type: single nucleotide variant.
Coding change: c.4700C>T on transcript NM_015425.6 (MANE Select); coding-DNA position 4700, C replaced by T.
Protein change: p.Thr1567Ile; replaces threonine 1567 with isoleucine.
Molecular consequence: missense variant.
Genome position (GRCh38, 1-based): chr2:86,030,275, G>A on the plus strand (C>T on the coding strand, the complement: POLR1A is on the minus strand). VCF-style: chr2-86030275-G-A. GRCh37 (hg19) VCF-style: chr2-86257398-G-A.
Other names: short protein forms T1567I.
Identifiers: ClinVar variation 1905147 (VCV001905147.5), dbSNP rs955665786, ClinGen allele CA51365711.